The following is an entry in ClinVar:

ClinVar aggregate classification (germline): Uncertain significance (1 of 4 stars; one submission).

Allele frequency attached by ClinVar (database versions not stated): gnomAD exomes below 0.00001.
gnomAD v4.1: 2 of 1,590,418 alleles (0.00013%); highest among the groups gnomAD compares: Non-Finnish European, 0.00017%; no homozygotes.

Submission:

Labcorp Genetics (formerly Invitae), Labcorp
Classification: Uncertain significance. Last evaluated: 2023-09-04. Review status: criteria provided, single submitter. Criteria: Invitae Variant Classification Sherloc (09022015). Collection method: clinical testing. Allele origin: germline.
Comment: In summary, the available evidence is currently insufficient to determine the role of this variant in disease. Therefore, it has been classified as a Variant of Uncertain Significance. An algorithm developed to predict the effect of missense changes on protein structure and function (PolyPhen-2) suggests that this variant is likely to be disruptive. This variant has not been reported in the literature in individuals affected with DSCAML1-related conditions. This variant is not present in population databases (gnomAD no frequency). This sequence change replaces asparagine, which is neutral and polar, with aspartic acid, which is acidic and polar, at codon 139 of the DSCAML1 protein (p.Asn139Asp).

NM_020693.4(DSCAML1):c.235A>G (p.Asn79Asp)

Gene: DSCAML1 (DS cell adhesion molecule like 1; minus strand). Cytogenetic location: 11q23.3.
Variant type: single nucleotide variant.
Coding change: c.235A>G on transcript NM_020693.4 (MANE Select); coding-DNA position 235, A replaced by G.
Protein change: p.Asn79Asp; replaces asparagine 79 with aspartic acid.
Molecular consequence: missense variant. On other transcripts: 5 prime UTR variant (1).
Genome position (GRCh38, 1-based): chr11:117,780,622, T>C on the plus strand (A>G on the coding strand, the complement: DSCAML1 is on the minus strand). VCF-style: chr11-117780622-T-C. GRCh37 (hg19) VCF-style: chr11-117651337-T-C.
Other names: c.235A>G, p.Asn79Asp (NM_001367904.1); c.-174A>G (NM_001367905.1); short protein forms N79D.
Identifiers: ClinVar variation 2777421 (VCV002777421.3), dbSNP rs1389824688, ClinGen allele CA382760777.